The following is an entry in ClinVar:

NM_182641.4(BPTF):c.2098A>C (p.Thr700Pro)

Gene: BPTF (bromodomain PHD finger transcription factor; plus strand). Cytogenetic location: 17q24.2.
Variant type: single nucleotide variant.
Coding change: c.2098A>C on transcript NM_182641.4 (MANE Select); coding-DNA position 2098, A replaced by C.
Protein change: p.Thr700Pro; replaces threonine 700 with proline.
Molecular consequence: missense variant.
Genome position (GRCh38, 1-based): chr17:67,893,412, A>C. VCF-style: chr17-67893412-A-C. GRCh37 (hg19) VCF-style: chr17-65889528-A-C.
Other names: c.2287A>C, p.Thr763Pro (NM_001439139.1, NM_001439141.1, NM_001439143.1 and 1 more transcripts); c.2476A>C, p.Thr826Pro (NM_001439140.1, NM_001439142.1, NM_004459.7); short protein forms T700P, T763P, T826P.
Identifiers: ClinVar variation 4755608 (VCV004755608.1).
Genomic context (GRCh38, chr17:67,893,412, plus strand): 5'-TTTTATTTTTTTGGTCAGGTACTGGTAGTTAACTCTCAAGGAGAAATTTCACGGTTGAGC[A>C]CCAAAAAGGAAGTGATCATGAAAGGAAATATCAACAATTATTTTAAATTGGGTCAAGAAG-3'
Protein context (NP_872579.2, residues 690-710): NSQGEISRLS[Thr700Pro]KKEVIMKGNI

ClinVar aggregate classification (germline): Uncertain significance (1 of 4 stars; one submission).

gnomAD v4.1: 2 of 1,614,186 alleles (0.00012%); highest among the groups gnomAD compares: Non-Finnish European, 0.00017%; no homozygotes.

Submission:

GeneDx
Classification: Uncertain significance. Last evaluated: 2025-08-08. Review status: criteria provided, single submitter. Criteria: GeneDx Variant Classification Process June 2021. Collection method: clinical testing. Allele origin: germline. Affected: yes.
Comment: Not observed at significant frequency in large population cohorts (gnomAD); In silico analysis supports that this missense variant has a deleterious effect on protein structure/function; Has not been previously published as pathogenic or benign to our knowledge